The following is an entry in ClinVar:

NM_001009944.3(PKD1):c.8891dup (p.Glu2966fs)

Gene: PKD1 (polycystin 1, transient receptor potential channel interacting; minus strand). Cytogenetic location: 16p13.3.
Variant type: Duplication.
Coding change: c.8891dup on transcript NM_001009944.3 (MANE Select); coding-DNA position 8891, one base duplicated (G; older notation c.8891dupG).
Protein change: p.Glu2966fs; shifts the reading frame from glutamic acid 2966.
Molecular consequence: frameshift variant.
Genome position (GRCh38, 1-based): chr16:2,102,871, C duplicated on the plus strand (G on the coding strand, the reverse complement: PKD1 is on the minus strand). VCF-style (leftmost placement, unchanged base first): chr16-2102870-G-GC. GRCh37 (hg19) VCF-style: chr16-2152871-G-GC.
Other names: c.8891dup, p.Glu2966fs (NM_000296.4); short protein forms E2966fs.
Identifiers: ClinVar variation 3932833 (VCV003932833.1).

ClinVar aggregate classification (germline): Pathogenic (1 of 4 stars; one submission).

Conditions:
Inborn genetic diseases. Identifiers: MedGen C0950123, MeSH D030342.

Submission:

Ambry Genetics
Classification: Pathogenic for Inborn genetic diseases. Last evaluated: 2025-03-19. Review status: criteria provided, single submitter. Criteria: Ambry Variant Classification Scheme 2023. Collection method: clinical testing. Allele origin: germline.
Comment: The c.8891dupG (p.E2966Rfs*7) alteration, located in exon 24 (coding exon 24) of the PKD1 gene, consists of a duplication of G at position 8891, causing a translational frameshift with a predicted alternate stop codon after 7 amino acids. This alteration is expected to result in loss of function by premature protein truncation or nonsense-mediated mRNA decay. This variant was not reported in population-based cohorts in the Genome Aggregation Database (gnomAD). Based on the available evidence, this alteration is classified as pathogenic.